The following is an entry in ClinVar:

NM_000113.3(TOR1A):c.856C>T (p.Gln286Ter)

Gene: TOR1A (torsin family 1 member A; minus strand). Cytogenetic location: 9q34.11.
Variant type: single nucleotide variant.
Coding change: c.856C>T on transcript NM_000113.3 (MANE Select); coding-DNA position 856, C replaced by T.
Protein change: p.Gln286Ter; replaces glutamine 286 with a stop codon.
Molecular consequence: nonsense.
Genome position (GRCh38, 1-based): chr9:129,814,115, G>A on the plus strand (C>T on the coding strand, the complement: TOR1A is on the minus strand). VCF-style: chr9-129814115-G-A. GRCh37 (hg19) VCF-style: chr9-132576394-G-A.
Other names: short protein forms Q286*.
Identifiers: ClinVar variation 503652 (VCV000503652.3), dbSNP rs1297344700, ClinGen allele CA375197757.

ClinVar aggregate classification (germline): Likely pathogenic (1 of 4 stars; one submission).

Allele frequency attached by ClinVar (database versions not stated): gnomAD exomes below 0.00001.
gnomAD v4.1: 7 of 1,614,214 alleles (0.00043%); highest among the groups gnomAD compares: Non-Finnish European, 0.00059%; no homozygotes.

Submission:

GeneDx
Classification: Likely pathogenic. Last evaluated: 2024-11-13. Review status: criteria provided, single submitter. Criteria: GeneDx Variant Classification Process June 2021. Collection method: clinical testing. Allele origin: germline. Affected: yes.
Comment: Nonsense variant predicted to result in protein truncation, as the last 47 amino acid(s) are lost, and other loss-of-function variants have been reported downstream in HGMD; Not observed at significant frequency in large population cohorts (gnomAD); Has not been previously published as pathogenic or benign to our knowledge